The following is an entry in ClinVar:

NM_000187.4(HGD):c.362G>A (p.Gly121Glu)

Gene: HGD (homogentisate 1,2-dioxygenase; minus strand). Cytogenetic location: 3q13.33.
Variant type: single nucleotide variant.
Coding change: c.362G>A on transcript NM_000187.4 (MANE Select); coding-DNA position 362, G replaced by A.
Protein change: p.Gly121Glu; replaces glycine 121 with glutamic acid.
Molecular consequence: missense variant.
Genome position (GRCh38, 1-based): chr3:120,650,846, C>T on the plus strand (G>A on the coding strand, the complement: HGD is on the minus strand). VCF-style: chr3-120650846-C-T. GRCh37 (hg19) VCF-style: chr3-120369693-C-T.
Other names: short protein forms G121E.
Identifiers: ClinVar variation 2626834 (VCV002626834.1), dbSNP rs2472716929, ClinGen allele CA354078122.

ClinVar aggregate classification (germline): Pathogenic (0 of 4 stars; one submission).

Conditions:
Alkaptonuria (AKU). Also called: Alkaptonuric ochronosis; Homogentisic acidura; Alcaptonuria; HOMOGENTISIC ACID OXIDASE DEFICIENCY. Identifiers: Orphanet 56, MedGen C0002066, MONDO:0008753, OMIM 203500.

Submission:

Department Of Human Genetics, Institute Of Clinical And Translational Research, Biomedical Research Center, Slovak Academy Of Sciences
Classification: Pathogenic for Alkaptonuria. Review status: no assertion criteria provided. Collection method: research. Allele origin: germline. Inheritance: Autosomal recessive inheritance. Affected: yes. Observed: 2 variant alleles.
Comment: The variant was originally described in AKU patient in PMID:32212000. It has been submitted to the HGD gene mutation database (DB-ID: AKU_00AKU_00250).

Literature cited by the submitters: PubMed 32212000.